The following is an entry in ClinVar:

ClinVar aggregate classification (germline): Uncertain significance (1 of 4 stars; one submission).

Conditions:
Hereditary spastic paraplegia 4. Also called: Spastic paraplegia 4, autosomal dominant; Spastic Paraplegia 4; Familial spastic paraplegia autosomal dominant 2. Identifiers: Orphanet 100985, MedGen C1866855, MONDO:0008438, OMIM 182601.

Submission:

Labcorp Genetics (formerly Invitae), Labcorp
Classification: Uncertain significance for Hereditary spastic paraplegia 4. Last evaluated: 2024-10-04. Review status: criteria provided, single submitter. Criteria: Invitae Variant Classification Sherloc (09022015). Collection method: clinical testing. Allele origin: germline.
Comment: This sequence change replaces proline, which is neutral and non-polar, with arginine, which is basic and polar, at codon 56 of the SPAST protein (p.Pro56Arg). This variant is not present in population databases (gnomAD no frequency). This variant has not been reported in the literature in individuals affected with SPAST-related conditions. Invitae Evidence Modeling of protein sequence and biophysical properties (such as structural, functional, and spatial information, amino acid conservation, physicochemical variation, residue mobility, and thermodynamic stability) indicates that this missense variant is expected to disrupt SPAST protein function with a positive predictive value of 95%. In summary, the available evidence is currently insufficient to determine the role of this variant in disease. Therefore, it has been classified as a Variant of Uncertain Significance.

NM_014946.4(SPAST):c.167C>G (p.Pro56Arg)

Gene: SPAST (spastin; plus strand). Cytogenetic location: 2p22.3.
Variant type: single nucleotide variant.
Coding change: c.167C>G on transcript NM_014946.4 (MANE Select); coding-DNA position 167, C replaced by G.
Protein change: p.Pro56Arg; replaces proline 56 with arginine.
Molecular consequence: missense variant.
Genome position (GRCh38, 1-based): chr2:32,063,998, C>G. VCF-style: chr2-32063998-C-G. GRCh37 (hg19) VCF-style: chr2-32289067-C-G.
Other names: c.167C>G, p.Pro56Arg (NM_001363823.2, NM_001363875.2, NM_001377959.1 and 1 more transcripts); short protein forms P56R.
Identifiers: ClinVar variation 2744377 (VCV002744377.3), dbSNP rs1676399509, ClinGen allele CA346601551.